The following is an entry in ClinVar:

ClinVar aggregate classification (germline): Uncertain significance (1 of 4 stars; one submission).

Conditions:
Acromesomelic dysplasia 1, Maroteaux type (AMD1). Also called: ST. HELENA DYSPLASIA; ACROMESOMELIC DYSPLASIA 1. Identifiers: Orphanet 40, MedGen C1864356, MONDO:0011275, OMIM 602875.
Tall stature-scoliosis-macrodactyly of the great toes syndrome. Also called: Epiphyseal chondrodysplasia, miura type. Identifiers: Orphanet 329191, MedGen C4014690, MONDO:0014401, OMIM 615923.

Allele frequency attached by ClinVar (database versions not stated): ExAC 0.00001; gnomAD 0.00001; gnomAD exomes 0.00001.
gnomAD v4.1: 9 of 1,613,624 alleles (0.00056%); highest among the groups gnomAD compares: Admixed American, 0.013%; no homozygotes.

Submission:

Labcorp Genetics (formerly Invitae), Labcorp
Classification: Uncertain significance for Tall stature-scoliosis-macrodactyly of the great toes syndrome; Acromesomelic dysplasia 1, Maroteaux type. Last evaluated: 2025-09-18. Review status: criteria provided, single submitter. Criteria: Invitae Variant Classification Sherloc (09022015). Collection method: clinical testing. Allele origin: germline.
Comment: This sequence change falls in intron 3 of the NPR2 gene. It does not directly change the encoded amino acid sequence of the NPR2 protein. This variant is present in population databases (rs752732223, gnomAD 0.009%). This variant has not been reported in the literature in individuals affected with NPR2-related conditions. ClinVar contains an entry for this variant (Variation ID: 1377106). Algorithms developed to predict the effect of sequence changes on RNA splicing suggest that this variant may disrupt the consensus splice site. In summary, the available evidence is currently insufficient to determine the role of this variant in disease. Therefore, it has been classified as a Variant of Uncertain Significance.

NM_003995.4(NPR2):c.988-6C>A

Gene: NPR2 (natriuretic peptide receptor 2; plus strand). Cytogenetic location: 9p13.3.
Variant type: single nucleotide variant.
Coding change: c.988-6C>A on transcript NM_003995.4 (MANE Select); 6 bases into the intron before coding-DNA position 988, C replaced by A.
Molecular consequence: intron variant.
Genome position (GRCh38, 1-based): chr9:35,800,016, C>A. VCF-style: chr9-35800016-C-A. GRCh37 (hg19) VCF-style: chr9-35800013-C-A.
Other names: c.988-6C>A (NM_001378923.1).
Identifiers: ClinVar variation 1377106 (VCV001377106.8), dbSNP rs752732223, ClinGen allele CA5051581.